The following is an entry in ClinVar:

ClinVar aggregate classification (germline): Likely benign (0 of 4 stars; one submission).

Conditions:
MYCBP2-related disorder. Also called: MYCBP2-related condition.

Allele frequency attached by ClinVar (database versions not stated): gnomAD exomes 0.00001; ExAC 0.00006; TOPMed 0.00008; gnomAD 0.00009; ESP Exome Variant Server 0.00031.
gnomAD v4.1: 42 of 1,613,686 alleles (0.0026%); highest among the groups gnomAD compares: African/African-American, 0.043%; no homozygotes.

Submission:

PreventionGenetics, part of Exact Sciences
Classification: Likely benign for MYCBP2-related condition. Last evaluated: 2019-08-09. Review status: no assertion criteria provided. Collection method: clinical testing. Allele origin: germline.
Comment: This variant is classified as likely benign based on ACMG/AMP sequence variant interpretation guidelines (Richards et al. 2015 PMID: 25741868, with internal and published modifications).

NM_015057.5(MYCBP2):c.2781A>C (p.Thr927=)

Gene: MYCBP2 (MYC binding protein 2; minus strand). Cytogenetic location: 13q22.3.
Variant type: single nucleotide variant.
Coding change: c.2781A>C on transcript NM_015057.5 (MANE Select); coding-DNA position 2781, A replaced by C.
Protein change: p.Thr927=; no amino-acid change (threonine 927 retained).
Molecular consequence: synonymous variant.
Genome position (GRCh38, 1-based): chr13:77,225,511, T>G on the plus strand (A>C on the coding strand, the complement: MYCBP2 is on the minus strand). VCF-style: chr13-77225511-T-G. GRCh37 (hg19) VCF-style: chr13-77799646-T-G.
Identifiers: ClinVar variation 3035056 (VCV003035056.2), dbSNP rs138802594, ClinGen allele CA7010137.
Genomic context (GRCh38, chr13:77,225,511, plus strand): 5'-ACAGCTGACTTGGACTGCCCGGAGCTCACAGTCAAATCGCACAGAGCCTGGAGGGTATGT[T>G]GTGATTTTGCTTGCATCCTTTTCGCCTCTTTCTCCACTTCCATCTGCAAGTGTTATAATT-3'
Protein context (NP_055872.4, residues 917-937): ERGEKDASKI[Thr927=]TYPPGSVRFD